The following is an entry in ClinVar:

NM_002907.4(RECQL):c.1446T>C (p.Ser482=)

Gene: RECQL (RecQ like helicase; minus strand). Cytogenetic location: 12p12.1.
Variant type: single nucleotide variant.
Coding change: c.1446T>C on transcript NM_002907.4 (MANE Select); coding-DNA position 1446, T replaced by C.
Protein change: p.Ser482=; no amino-acid change (serine 482 retained).
Molecular consequence: synonymous variant.
Genome position (GRCh38, 1-based): chr12:21,473,552, A>G on the plus strand (T>C on the coding strand, the complement: RECQL is on the minus strand). VCF-style: chr12-21473552-A-G. GRCh37 (hg19) VCF-style: chr12-21626486-A-G.
Other names: c.1446T>C, p.Ser482= (NM_032941.3).
Identifiers: ClinVar variation 515567 (VCV000515567.8), dbSNP rs767408144, ClinGen allele CA6478753.

ClinVar aggregate classification (germline): Conflicting classifications of pathogenicity. Review status: criteria provided, conflicting classifications (1 of 4 stars). 3 submissions from 3 submitters: Uncertain significance (1); Likely benign (2). Last evaluated 2025-12-24.

Allele frequency attached by ClinVar (database versions not stated): ExAC 0.00002; gnomAD exomes below 0.00001; gnomAD 0.00001; TOPMed 0.00001.
gnomAD v4.1: 2 of 1,610,638 alleles (0.00012%); highest among the groups gnomAD compares: East Asian, 0.0022%; no homozygotes.

Submissions (3):

Labcorp Genetics (formerly Invitae), Labcorp
Classification: Uncertain significance. Last evaluated: 2025-12-24. Review status: criteria provided, single submitter. Criteria: Invitae Variant Classification Sherloc (09022015). Collection method: clinical testing. Allele origin: germline.
Comment: This sequence change affects codon 482 of the RECQL mRNA. It is a 'silent' change, meaning that it does not change the encoded amino acid sequence of the RECQL protein. It affects a nucleotide within the consensus splice site. This variant is present in population databases (rs767408144, gnomAD 0.06%). This variant has not been reported in the literature in individuals affected with RECQL-related conditions. ClinVar contains an entry for this variant (Variation ID: 515567). Algorithms developed to predict the effect of sequence changes on RNA splicing suggest that this variant is not likely to affect RNA splicing. In summary, the available evidence is currently insufficient to determine the role of this variant in disease. Therefore, it has been classified as a Variant of Uncertain Significance.

Ambry Genetics
Classification: Likely benign. Last evaluated: 2022-07-11. Review status: criteria provided, single submitter. Criteria: Ambry Variant Classification Scheme 2023. Collection method: clinical testing. Allele origin: germline.

GeneDx
Classification: Likely benign. Last evaluated: 2018-02-13. Review status: criteria provided, single submitter. Criteria: GeneDx Variant Classification (06012015). Collection method: clinical testing. Allele origin: germline. Affected: yes.
Comment: This variant is considered likely benign or benign based on one or more of the following criteria: it is a conservative change, it occurs at a poorly conserved position in the protein, it is predicted to be benign by multiple in silico algorithms, and/or has population frequency not consistent with disease.